The following is an entry in ClinVar:

ClinVar aggregate classification (germline): Uncertain significance (1 of 4 stars; one submission).

Submission:

CeGaT Center for Human Genetics Tuebingen
Classification: Uncertain significance. Last evaluated: 2024-12-01. Review status: criteria provided, single submitter. Criteria: CeGaT Center For Human Genetics Tuebingen Variant Classification Criteria Version 2. Collection method: clinical testing. Allele origin: germline. Affected: yes. Observed: 1 variant allele.
Comment: SMARCC2: PM2:Supporting, BP4

NM_001330288.2(SMARCC2):c.3234C>A (p.Gly1078=)

Gene: SMARCC2 (SWI/SNF related BAF chromatin remodeling complex subunit C2; minus strand). Cytogenetic location: 12q13.2.
Variant type: single nucleotide variant.
Coding change: c.3234C>A on transcript NM_001330288.2 (MANE Select); coding-DNA position 3234, C replaced by A.
Protein change: p.Gly1078=; no amino-acid change (glycine 1078 retained).
Molecular consequence: synonymous variant.
Genome position (GRCh38, 1-based): chr12:56,164,730, G>T on the plus strand (C>A on the coding strand, the complement: SMARCC2 is on the minus strand). VCF-style: chr12-56164730-G-T. GRCh37 (hg19) VCF-style: chr12-56558514-G-T.
Other names: c.3234C>A, p.Gly1078= (NM_001130420.3, NM_139067.4); c.3141C>A, p.Gly1047= (NM_003075.5).
Identifiers: ClinVar variation 3771834 (VCV003771834.13).